The following is an entry in ClinVar:

ClinVar aggregate classification (germline): Benign/Likely benign. Review status: criteria provided, multiple submitters, no conflicts (2 of 4 stars). 3 submissions from 3 submitters: Benign (2); Likely benign (1). Last evaluated 2025-11-01.

Conditions:
Dextro-looped transposition of the great arteries. Also called: Dextrotransposition of the great arteries. Identifiers: Orphanet 860, MedGen C3531771, MONDO:0019443, OMIM 608808, HP:0031348.

Allele frequency attached by ClinVar (database versions not stated): TOPMed 0.00002; gnomAD exomes 0.00003; ExAC 0.00005; ESP Exome Variant Server 0.00008; gnomAD 0.00015.
gnomAD v4.1: 63 of 1,614,002 alleles (0.0039%); highest among the groups gnomAD compares: Non-Finnish European, 0.0035%; no homozygotes.

Submissions (3):

CeGaT Center for Human Genetics Tuebingen
Classification: Likely benign. Last evaluated: 2025-11-01. Review status: criteria provided, single submitter. Criteria: CeGaT Center For Human Genetics Tuebingen Variant Classification Criteria Version 2. Collection method: clinical testing. Allele origin: germline. Affected: yes. Observed: 1 variant allele.
Comment: MED13L: BS1

Laboratory of Genetics, Children's Clinical University Hospital Latvia
Classification: Benign. Last evaluated: 2025-02-16. Review status: criteria provided, single submitter. Criteria: ACMG Guidelines, 2015. Collection method: clinical testing. Allele origin: germline. Affected: yes.

Labcorp Genetics (formerly Invitae), Labcorp
Classification: Benign for Dextro-looped transposition of the great arteries. Last evaluated: 2024-12-17. Review status: criteria provided, single submitter. Criteria: Invitae Variant Classification Sherloc (09022015). Collection method: clinical testing. Allele origin: germline.

NM_015335.5(MED13L):c.107A>G (p.Asn36Ser)

Gene: MED13L (mediator complex subunit 13L; minus strand). Cytogenetic location: 12q24.21.
Variant type: single nucleotide variant.
Coding change: c.107A>G on transcript NM_015335.5 (MANE Select); coding-DNA position 107, A replaced by G.
Protein change: p.Asn36Ser; replaces asparagine 36 with serine.
Molecular consequence: missense variant.
Genome position (GRCh38, 1-based): chr12:116,237,671, T>C on the plus strand (A>G on the coding strand, the complement: MED13L is on the minus strand). VCF-style: chr12-116237671-T-C. GRCh37 (hg19) VCF-style: chr12-116675476-T-C.
Other names: short protein forms N36S.
Identifiers: ClinVar variation 1950452 (VCV001950452.12), dbSNP rs370115918, ClinGen allele CA6811820.
Genomic context (GRCh38, chr12:116,237,671, plus strand): 5'-ATTGGATCATCTTGGGCTGGGGCTGAAATTATGGGTCCACAGTCCCCATGCCCTCCAAAA[T>C]TGTACCTACGCCATTTGATTCCCGTGAGTTCAGCCTGGAAAAAGACAAAAAATTGTAATC-3'
Protein context (NP_056150.1, residues 26-46): ELTGIKWRRY[Asn36Ser]FGGHGDCGPI